The following is an entry in ClinVar:

ClinVar aggregate classification (germline): Uncertain significance. Review status: criteria provided, multiple submitters, no conflicts (2 of 4 stars). 2 submissions from 2 submitters: Uncertain significance (2). Last evaluated 2025-06-23.

Conditions:
Intellectual developmental disorder, autosomal dominant 6, with or without seizures. Also called: GRIN2B-related developmental delay, intellectual disability and autism spectrum disorder; Intellectual disability, autosomal dominant 6. Identifiers: Orphanet 589547, MedGen C3151411, MONDO:0013509, OMIM 613970.
Developmental and epileptic encephalopathy, 27 (DEE27). Also called: Epileptic encephalopathy, early infantile, 27; GRIN2B-Related Neurodevelopmental Disorder. Identifiers: Orphanet 3451, MedGen C4015316, MONDO:0014505, OMIM 616139.

gnomAD v4.1: 22 of 1,614,184 alleles (0.0014%); highest among the groups gnomAD compares: Non-Finnish European, 0.0019%; no homozygotes.

Submissions (2):

Labcorp Genetics (formerly Invitae), Labcorp
Classification: Uncertain significance for Developmental and epileptic encephalopathy, 27; Intellectual developmental disorder, autosomal dominant 6, with or without seizures. Last evaluated: 2025-06-23. Review status: criteria provided, single submitter. Criteria: Invitae Variant Classification Sherloc (09022015). Collection method: clinical testing. Allele origin: germline.
Comment: This sequence change replaces alanine, which is neutral and non-polar, with serine, which is neutral and polar, at codon 1316 of the GRIN2B protein (p.Ala1316Ser). This variant is not present in population databases (gnomAD no frequency). This variant has not been reported in the literature in individuals affected with GRIN2B-related conditions. ClinVar contains an entry for this variant (Variation ID: 2931015). Invitae Evidence Modeling of protein sequence and biophysical properties (such as structural, functional, and spatial information, amino acid conservation, physicochemical variation, residue mobility, and thermodynamic stability) indicates that this missense variant is not expected to disrupt GRIN2B protein function with a negative predictive value of 95%. In summary, the available evidence is currently insufficient to determine the role of this variant in disease. Therefore, it has been classified as a Variant of Uncertain Significance.

Blueprint Genetics
Classification: Uncertain significance. Last evaluated: 2021-05-12. Review status: criteria provided, single submitter. Criteria: ACMG Guidelines, 2015. Collection method: clinical testing. Allele origin: germline.

NM_000834.5(GRIN2B):c.3946G>T (p.Ala1316Ser)

Gene: GRIN2B (glutamate ionotropic receptor NMDA type subunit 2B; minus strand). Cytogenetic location: 12p13.1.
Variant type: single nucleotide variant.
Coding change: c.3946G>T on transcript NM_000834.5 (MANE Select); coding-DNA position 3946, G replaced by T.
Protein change: p.Ala1316Ser; replaces alanine 1316 with serine.
Molecular consequence: missense variant.
Genome position (GRCh38, 1-based): chr12:13,563,292, C>A on the plus strand (G>T on the coding strand, the complement: GRIN2B is on the minus strand). VCF-style: chr12-13563292-C-A. GRCh37 (hg19) VCF-style: chr12-13716226-C-A.
Other names: c.3946G>T, p.Ala1316Ser (NM_001413992.1); short protein forms A1316S.
Identifiers: ClinVar variation 2931015 (VCV002931015.4), dbSNP rs199803550, ClinGen allele CA233133108.